The following is an entry in ClinVar:

NM_006514.4(SCN10A):c.2458A>T (p.Ile820Phe)

Gene: SCN10A (sodium voltage-gated channel alpha subunit 10; minus strand). Cytogenetic location: 3p22.2.
Variant type: single nucleotide variant.
Coding change: c.2458A>T on transcript NM_006514.4 (MANE Select); coding-DNA position 2458, A replaced by T.
Protein change: p.Ile820Phe; replaces isoleucine 820 with phenylalanine.
Molecular consequence: missense variant.
Genome position (GRCh38, 1-based): chr3:38,728,724, T>A on the plus strand (A>T on the coding strand, the complement: SCN10A is on the minus strand). VCF-style: chr3-38728724-T-A. GRCh37 (hg19) VCF-style: chr3-38770215-T-A.
Other names: c.2458A>T, p.Ile820Phe (NM_001293306.2); c.2164A>T, p.Ile722Phe (NM_001293307.2); short protein forms I722F, I820F.
Identifiers: ClinVar variation 3438157 (VCV003438157.1).
Genomic context (GRCh38, chr3:38,728,724, plus strand): 5'-GGAAAGAGTGGAAGAAGTCGTGCATGTGCCAGCGGGGCCAGTCTTCATGGGGCGCGGAGA[T>A]ATTTTTTCGGTTGTTACGGTAGTTTTCCCCTAGGAGCTGCTTGCCAACCAGAGCAAAGAC-3'
Protein context (NP_006505.4, residues 810-830): GENYRNNRKN[Ile820Phe]SAPHEDWPRW

ClinVar aggregate classification (germline): Uncertain significance (1 of 4 stars; one submission).

Conditions:
Cardiovascular phenotype. Identifiers: MedGen CN230736.

Submission:

Ambry Genetics
Classification: Uncertain significance for Cardiovascular phenotype. Last evaluated: 2024-11-23. Review status: criteria provided, single submitter. Criteria: Ambry Variant Classification Scheme 2023. Collection method: clinical testing. Allele origin: germline.
Comment: The p.I820F variant (also known as c.2458A>T), located in coding exon 15 of the SCN10A gene, results from an A to T substitution at nucleotide position 2458. The isoleucine at codon 820 is replaced by phenylalanine, an amino acid with highly similar properties. This amino acid position is conserved. In addition, the in silico prediction for this alteration is inconclusive. Based on the available evidence, the clinical significance of this variant remains unclear.